The following is an entry in ClinVar:

NM_001243279.3(ACSF3):c.354T>C (p.Ser118=)

Gene: ACSF3 (acyl-CoA synthetase family member 3; plus strand). Cytogenetic location: 16q24.3.
Variant type: single nucleotide variant.
Coding change: c.354T>C on transcript NM_001243279.3 (MANE Select); coding-DNA position 354, T replaced by C.
Protein change: p.Ser118=; no amino-acid change (serine 118 retained).
Molecular consequence: synonymous variant. On other transcripts: non-coding transcript variant (3), intron variant (1).
Genome position (GRCh38, 1-based): chr16:89,101,035, T>C. VCF-style: chr16-89101035-T-C. GRCh37 (hg19) VCF-style: chr16-89167443-T-C.
Other names: p.S118S:AGT>AGC; p.Ser118=; c.354T>C, p.Ser118= (NM_001127214.4, NM_174917.5); c.-129-1569T>C (NM_001284316.2).
Identifiers: ClinVar variation 136275 (VCV000136275.23), dbSNP rs6500528, ClinGen allele CA289280.

ClinVar aggregate classification (germline): Benign. Review status: criteria provided, multiple submitters, no conflicts (2 of 4 stars). 10 submissions from 10 submitters: Benign (7). 3 of the submissions do not count toward it. Last evaluated 2026-06-28.

Conditions:
Combined malonic and methylmalonic acidemia. Identifiers: Orphanet 289504, MedGen C3280314, MONDO:0013661, OMIM 614265.
Methylmalonic acidemia (MMA). Also called: Isolated Methylmalonic Acidemia. Identifiers: MedGen C0268583, MeSH C537358, MONDO:0002012, HP:0002912.

Allele frequency attached by ClinVar (database versions not stated): 1000 Genomes Project 0.61981; 1000 Genomes Project 30x 0.62867; ExAC 0.71060; gnomAD 0.71317 and 0.72028; TOPMed 0.71381; gnomAD exomes 0.72099; ESP Exome Variant Server 0.72545.
gnomAD v4.1: 1,214,274 of 1,608,730 alleles (75%); highest among the groups gnomAD compares: Admixed American, 81%; 464,462 homozygotes.

Submissions (10):

Women's Health and Genetics/Laboratory Corporation of America, LabCorp
Classification: Benign. Last evaluated: 2026-06-28. Review status: criteria provided, single submitter. Criteria: LabCorp Variant Classification Summary - May 2015. Collection method: clinical testing. Allele origin: germline.

Labcorp Genetics (formerly Invitae), Labcorp
Classification: Benign for Combined malonic and methylmalonic acidemia. Last evaluated: 2026-02-04. Review status: criteria provided, single submitter. Criteria: Invitae Variant Classification Sherloc (09022015). Collection method: clinical testing. Allele origin: germline.

Blueprint Genetics
Classification: Benign. Last evaluated: 2024-11-27. Review status: criteria provided, single submitter. Criteria: ACMG Guidelines, 2015. Collection method: clinical testing. Allele origin: germline.

Mayo Clinic Laboratories, Mayo Clinic
Classification: Benign. Last evaluated: 2022-03-31. Review status: criteria provided, single submitter. Criteria: ACMG Guidelines, 2015. Collection method: clinical testing. Allele origin: germline. Observed: 94 variant alleles.

Genome-Nilou Lab
Classification: Benign for Combined malonic and methylmalonic acidemia. Last evaluated: 2021-07-01. Review status: criteria provided, single submitter. Criteria: ACMG Guidelines, 2015. Collection method: clinical testing. Allele origin: germline. Affected: no.

GeneDx
Classification: Benign. Last evaluated: 2013-05-29. Review status: criteria provided, single submitter. Criteria: GeneDx Variant Classification (06012015). Collection method: clinical testing. Allele origin: germline. Affected: yes.
Comment: This variant is considered likely benign or benign based on one or more of the following criteria: it is a conservative change, it occurs at a poorly conserved position in the protein, it is predicted to be benign by multiple in silico algorithms, and/or has population frequency not consistent with disease.

Breakthrough Genomics
Classification: Benign. Review status: criteria provided, single submitter. Criteria: ACMG Guidelines, 2015. Collection method: not provided. Allele origin: germline. Inheritance: Unknown mechanism. Affected: yes.

Natera, Inc.
Classification: Benign for Methylmalonic acidemia. Last evaluated: 2020-09-16. Review status: no assertion criteria provided. Collection method: clinical testing. Allele origin: germline. Not counted in ClinVar's aggregate classification.

Diagnostic Laboratory, Department of Genetics, University Medical Center Groningen
Classification: Benign. Review status: no assertion criteria provided. Collection method: clinical testing. Allele origin: germline. Affected: yes. Study: VKGL Data-share Consensus. Not counted in ClinVar's aggregate classification.

Joint Genome Diagnostic Labs from Nijmegen and Maastricht, Radboudumc and MUMC+
Classification: Benign. Review status: no assertion criteria provided. Collection method: clinical testing. Allele origin: germline. Affected: yes. Study: VKGL Data-share Consensus. Not counted in ClinVar's aggregate classification.